The following is an entry in ClinVar:

ClinVar aggregate classification (germline): Pathogenic. Review status: reviewed by expert panel (3 of 4 stars). 2 submissions from 2 submitters: Pathogenic (1). 1 of the submissions does not count toward it. Last evaluated 2016-10-18.

Conditions:
Breast-ovarian cancer, familial, susceptibility to, 2 (BROVCA2). Also called: BRCA2 Hereditary Breast and Ovarian Cancer. Identifiers: Orphanet 145, MedGen C2675520, MONDO:0012933, OMIM 612555. Disease mechanism: loss of function.

Submissions (2):

Evidence-based Network for the Interpretation of Germline Mutant Alleles (ENIGMA)
Classification: Pathogenic for Breast-ovarian cancer, familial, susceptibility to, 2. Last evaluated: 2016-10-18. Review status: reviewed by expert panel. Criteria: ENIGMA BRCA1/2 Classification Criteria (2015). Collection method: curation. Allele origin: germline.
Comment: Variant allele predicted to encode a truncated non-functional protein.

Consortium of Investigators of Modifiers of BRCA1/2 (CIMBA), c/o University of Cambridge
Classification: Pathogenic for Breast-ovarian cancer, familial, susceptibility to, 2. Last evaluated: 2015-10-02. Review status: criteria provided, single submitter. Criteria: CIMBA Mutation Classification guidelines May 2016. Collection method: clinical testing. Allele origin: germline. Not counted in ClinVar's aggregate classification.

NM_000059.4(BRCA2):c.7781dup (p.Ala2595fs)

Gene: BRCA2 (BRCA2 DNA repair associated; plus strand). Cytogenetic location: 13q13.1.
Variant type: Duplication.
Coding change: c.7781dup on transcript NM_000059.4 (MANE Select); coding-DNA position 7781, one base duplicated (A; older notation c.7781dupA).
Protein change: p.Ala2595fs; shifts the reading frame from alanine 2595.
Molecular consequence: frameshift variant.
Genome position (GRCh38, 1-based): chr13:32,357,905, A duplicated; the last of 3 consecutive A bases (chr13:32,357,903-32,357,905); duplicating any one gives the same sequence. VCF-style (leftmost placement, unchanged base first): chr13-32357902-G-GA. GRCh37 (hg19) VCF-style: chr13-32932039-G-GA.
Other names: 8009insA; short protein forms A2595fs.
Identifiers: ClinVar variation 267035 (VCV000267035.5), dbSNP rs886040729, ClinGen allele CA10589450.